The following is an entry in ClinVar:

NM_004655.4(AXIN2):c.1321G>A (p.Asp441Asn)

Gene: AXIN2 (axin 2; minus strand). Cytogenetic location: 17q24.1.
Variant type: single nucleotide variant.
Coding change: c.1321G>A on transcript NM_004655.4 (MANE Select); coding-DNA position 1321, G replaced by A.
Protein change: p.Asp441Asn; replaces aspartic acid 441 with asparagine.
Molecular consequence: missense variant.
Genome position (GRCh38, 1-based): chr17:65,537,715, C>T on the plus strand (G>A on the coding strand, the complement: AXIN2 is on the minus strand). VCF-style: chr17-65537715-C-T. GRCh37 (hg19) VCF-style: chr17-63533833-C-T.
Other names: c.1321G>A (LRG_296t1); c.1321G>A, p.Asp441Asn (NM_001363813.1); short protein forms D441N.
Identifiers: ClinVar variation 520559 (VCV000520559.15), dbSNP rs1555577991, ClinGen allele CA400677735.
Genomic context (GRCh38, chr17:65,537,715, plus strand): 5'-TATAGCGGCCTACGCCTGGAGACTGGCAGCCAGGGGTCTTGAGGACCCTGGACAGGTGAT[C>T]GTCCAGTATCGTCTGCGGGTCTTCCTCGTAGCTGCCGGAGGGCAGTAGGGAGAGGGGGTG-3'
Protein context (NP_004646.3, residues 431-451): YEEDPQTILD[Asp441Asn]HLSRVLKTPG

ClinVar aggregate classification (germline): Uncertain significance. Review status: criteria provided, multiple submitters, no conflicts (2 of 4 stars). 4 submissions from 4 submitters: Uncertain significance (4). Last evaluated 2025-06-09.

Conditions:
Colorectal cancer. Also called: Malignant Colorectal Neoplasm; Colorectal cancer, somatic. Identifiers: MedGen C0346629, MONDO:0005575, OMIM 114500.
Oligodontia-cancer predisposition syndrome. Also called: TOOTH AGENESIS-COLORECTAL CANCER SYNDROME. Identifiers: Orphanet 300576, MedGen C1837750, MONDO:0012075, OMIM 608615. Disease mechanism: loss of function.
Hereditary cancer-predisposing syndrome. Also called: Neoplastic Syndromes, Hereditary; Hereditary neoplastic syndrome; Tumor predisposition; Hereditary Cancer Syndrome. Identifiers: Orphanet 140162, MedGen C0027672, MeSH D009386, MONDO:0015356.

Allele frequency attached by ClinVar (database versions not stated): TOPMed below 0.00001.
gnomAD v4.1: 1 of 1,558,212 alleles (0.000064%); highest among the groups gnomAD compares: Non-Finnish European, 0.000087%; no homozygotes.

Submissions (4):

Labcorp Genetics (formerly Invitae), Labcorp
Classification: Uncertain significance for Oligodontia-cancer predisposition syndrome. Last evaluated: 2025-06-09. Review status: criteria provided, single submitter. Criteria: Invitae Variant Classification Sherloc (09022015). Collection method: clinical testing. Allele origin: germline.
Comment: This sequence change replaces aspartic acid, which is acidic and polar, with asparagine, which is neutral and polar, at codon 441 of the AXIN2 protein (p.Asp441Asn). This variant is not present in population databases (gnomAD no frequency). This variant has not been reported in the literature in individuals affected with AXIN2-related conditions. ClinVar contains an entry for this variant (Variation ID: 520559). Invitae Evidence Modeling of protein sequence and biophysical properties (such as structural, functional, and spatial information, amino acid conservation, physicochemical variation, residue mobility, and thermodynamic stability) indicates that this missense variant is not expected to disrupt AXIN2 protein function with a negative predictive value of 80%. In summary, the available evidence is currently insufficient to determine the role of this variant in disease. Therefore, it has been classified as a Variant of Uncertain Significance.

Fulgent Genetics
Classification: Uncertain significance for Colorectal cancer; Oligodontia-cancer predisposition syndrome. Last evaluated: 2024-04-10. Review status: criteria provided, single submitter. Criteria: ACMG Guidelines, 2015. Collection method: clinical testing. Allele origin: germline.

Ambry Genetics
Classification: Uncertain significance for Hereditary cancer-predisposing syndrome. Last evaluated: 2021-07-23. Review status: criteria provided, single submitter. Criteria: Ambry Variant Classification Scheme 2023. Collection method: clinical testing. Allele origin: germline.
Comment: The p.D441N variant (also known as c.1321G>A), located in coding exon 5 of the AXIN2 gene, results from a G to A substitution at nucleotide position 1321. The aspartic acid at codon 441 is replaced by asparagine, an amino acid with highly similar properties. This amino acid position is well conserved in available vertebrate species. In addition, this alteration is predicted to be tolerated by in silico analysis. Since supporting evidence is limited at this time, the clinical significance of this alteration remains unclear.

GeneDx
Classification: Uncertain significance. Last evaluated: 2019-11-04. Review status: criteria provided, single submitter. Criteria: GeneDx Variant Classification Process June 2021. Collection method: clinical testing. Allele origin: germline. Affected: yes.
Comment: Not observed in large population cohorts (Lek 2016); In silico analysis, which includes protein predictors and evolutionary conservation, supports that this variant does not alter protein structure/function; Has not been previously published as pathogenic or benign to our knowledge